The following is an entry in ClinVar:

NM_177438.3(DICER1):c.4403C>G (p.Ser1468Cys)

Gene: DICER1 (dicer 1, ribonuclease III; minus strand). Cytogenetic location: 14q32.13.
Variant type: single nucleotide variant.
Coding change: c.4403C>G on transcript NM_177438.3 (MANE Select); coding-DNA position 4403, C replaced by G.
Protein change: p.Ser1468Cys; replaces serine 1468 with cysteine.
Molecular consequence: missense variant.
Genome position (GRCh38, 1-based): chr14:95,096,517, G>C on the plus strand (C>G on the coding strand, the complement: DICER1 is on the minus strand). VCF-style: chr14-95096517-G-C. GRCh37 (hg19) VCF-style: chr14-95562854-G-C.
Other names: c.4403C>G, p.Ser1468Cys (NM_001195573.1, NM_001271282.3, NM_001291628.2 and 1 more transcripts); short protein forms S1468C.
Identifiers: ClinVar variation 479611 (VCV000479611.16), dbSNP rs753582860, ClinGen allele CA7330855.

ClinVar aggregate classification (germline): Uncertain significance. Review status: criteria provided, multiple submitters, no conflicts (2 of 4 stars). 2 submissions from 2 submitters: Uncertain significance (2). Last evaluated 2025-11-13.

Conditions:
DICER1-related tumor predisposition. Also called: DICER1-related pleuropulmonary blastoma cancer predisposition syndrome; DICER1 syndrome. Identifiers: Orphanet 284343, MedGen C3839822, MONDO:0100216.
Hereditary cancer-predisposing syndrome. Also called: Tumor predisposition; Neoplastic Syndromes, Hereditary; Hereditary Cancer Syndrome; Hereditary neoplastic syndrome. Identifiers: Orphanet 140162, MedGen C0027672, MeSH D009386, MONDO:0015356.

Allele frequency attached by ClinVar (database versions not stated): TOPMed below 0.00001.
gnomAD v4.1: 5 of 1,614,030 alleles (0.00031%); highest among the groups gnomAD compares: Admixed American, 0.005%; no homozygotes.

Submissions (2):

Labcorp Genetics (formerly Invitae), Labcorp
Classification: Uncertain significance for DICER1-related tumor predisposition. Last evaluated: 2025-11-13. Review status: criteria provided, single submitter. Criteria: Invitae Variant Classification Sherloc (09022015). Collection method: clinical testing. Allele origin: germline.
Comment: This sequence change replaces serine, which is neutral and polar, with cysteine, which is neutral and slightly polar, at codon 1468 of the DICER1 protein (p.Ser1468Cys). This variant is present in population databases (rs753582860, gnomAD 0.01%). This variant has not been reported in the literature in individuals affected with DICER1-related conditions. ClinVar contains an entry for this variant (Variation ID: 479611). Invitae Evidence Modeling of protein sequence and biophysical properties (such as structural, functional, and spatial information, amino acid conservation, physicochemical variation, residue mobility, and thermodynamic stability) indicates that this missense variant is not expected to disrupt DICER1 protein function with a negative predictive value of 95%. In summary, the available evidence is currently insufficient to determine the role of this variant in disease. Therefore, it has been classified as a Variant of Uncertain Significance.

Ambry Genetics
Classification: Uncertain significance for Hereditary cancer-predisposing syndrome. Last evaluated: 2024-04-11. Review status: criteria provided, single submitter. Criteria: Ambry Variant Classification Scheme 2023. Collection method: clinical testing. Allele origin: germline.
Comment: The p.S1468C variant (also known as c.4403C>G), located in coding exon 22 of the DICER1 gene, results from a C to G substitution at nucleotide position 4403. The serine at codon 1468 is replaced by cysteine, an amino acid with dissimilar properties. This amino acid position is well conserved in available vertebrate species. In addition, the in silico prediction for this alteration is inconclusive. Since supporting evidence is limited at this time, the clinical significance of this alteration remains unclear.